The following is an entry in ClinVar:

ClinVar aggregate classification (germline): Uncertain significance (1 of 4 stars; one submission).

Conditions:
Familial hypobetalipoproteinemia 1. Also called: Hypobetalipoproteinemia, normotriglyceridemic; Acanthocytosis with hypobetalipoproteinemia; APOB-Related Familial Hypobetalipoproteinemia. Identifiers: MedGen C4551990, MONDO:0014252, OMIM 615558.
Hypercholesterolemia, autosomal dominant, type B (FHCL2). Also called: Familial Hypercholesterolemia Type B; HYPERCHOLESTEROLEMIA, FAMILIAL, DUE TO LIGAND-DEFECTIVE APOLIPOPROTEIN B; Familial hypercholesterolemia 2; APOB-Related Familial Hypercholesterolemia, Autosomal Dominant; APOLIPOPROTEIN B-100, FAMILIAL DEFECTIVE; APOLIPOPROTEIN B-100, FAMILIAL LIGAND-DEFECTIVE. Identifiers: MedGen C1704417, MONDO:0007751, OMIM 144010.

Allele frequency attached by ClinVar (database versions not stated): gnomAD 0.00001; gnomAD exomes 0.00001 and 0.00002; TOPMed 0.00001; ExAC 0.00002.
gnomAD v4.1: 9 of 1,611,672 alleles (0.00056%); highest among the groups gnomAD compares: Admixed American, 0.015%; no homozygotes.

Submission:

Labcorp Genetics (formerly Invitae), Labcorp
Classification: Uncertain significance for Familial hypobetalipoproteinemia 1; Hypercholesterolemia, autosomal dominant, type B. Last evaluated: 2019-06-07. Review status: criteria provided, single submitter. Criteria: Invitae Variant Classification Sherloc (09022015). Collection method: clinical testing. Allele origin: germline.
Comment: In summary, the available evidence is currently insufficient to determine the role of this variant in disease. Therefore, it has been classified as a Variant of Uncertain Significance. Nucleotide substitutions within the consensus splice site are a relatively common cause of aberrant splicing (PMID: 17576681, 9536098). Algorithms developed to predict the effect of sequence changes on RNA splicing suggest that this variant is not likely to affect RNA splicing, but this prediction has not been confirmed by published transcriptional studies. This variant has not been reported in the literature in individuals with APOB-related conditions. This variant is present in population databases (rs758261936, ExAC 0.03%). This sequence change falls in intron 15 of the APOB gene. It does not directly change the encoded amino acid sequence of the APOB protein, but it affects a nucleotide within the consensus splice site of the intron.

Literature cited by the submitters: PubMed 17576681; PubMed 9536098.

NM_000384.3(APOB):c.2244+4T>G

Gene: APOB (apolipoprotein B; minus strand). Cytogenetic location: 2p24.1.
Variant type: single nucleotide variant.
Coding change: c.2244+4T>G on transcript NM_000384.3 (MANE Select); 4 bases into the intron after coding-DNA position 2244, T replaced by G.
Molecular consequence: intron variant.
Genome position (GRCh38, 1-based): chr2:21,026,784, A>C on the plus strand (T>G on the coding strand, the complement: APOB is on the minus strand). VCF-style: chr2-21026784-A-C. GRCh37 (hg19) VCF-style: chr2-21249656-A-C.
Identifiers: ClinVar variation 933427 (VCV000933427.50), dbSNP rs758261936, ClinGen allele CA055697.
Genomic context (GRCh38, chr2:21,026,784, plus strand): 5'-AAAAGAATTGTTTTTGCATTGAGACCCAAAGCTTTCCTTAAGAAGATACTTCACAAATAC[A>C]CACCTGCTCATGTTTATCATCTTTGGTATAGCCAAAGTGGTCCACTAAGACCTTAGAGAC-3'